The following is an entry in ClinVar:

ClinVar aggregate classification (germline): Uncertain significance (1 of 4 stars; one submission).

Allele frequency attached by ClinVar (database versions not stated): gnomAD exomes below 0.00001.

Submission:

Labcorp Genetics (formerly Invitae), Labcorp
Classification: Uncertain significance. Last evaluated: 2023-09-10. Review status: criteria provided, single submitter. Criteria: Invitae Variant Classification Sherloc (09022015). Collection method: clinical testing. Allele origin: germline.
Comment: In summary, the available evidence is currently insufficient to determine the role of this variant in disease. Therefore, it has been classified as a Variant of Uncertain Significance. An algorithm developed to predict the effect of missense changes on protein structure and function (PolyPhen-2) suggests that this variant is likely to be disruptive. This variant has not been reported in the literature in individuals affected with PLEKHM2-related conditions. This variant is not present in population databases (gnomAD no frequency). This sequence change replaces phenylalanine, which is neutral and non-polar, with valine, which is neutral and non-polar, at codon 744 of the PLEKHM2 protein (p.Phe744Val).

NM_015164.4(PLEKHM2):c.2230T>G (p.Phe744Val)

Gene: PLEKHM2 (pleckstrin homology and RUN domain containing M2; plus strand). Cytogenetic location: 1p36.21.
Variant type: single nucleotide variant.
Coding change: c.2230T>G on transcript NM_015164.4 (MANE Select); coding-DNA position 2230, T replaced by G.
Protein change: p.Phe744Val; replaces phenylalanine 744 with valine.
Molecular consequence: missense variant.
Genome position (GRCh38, 1-based): chr1:15,730,553, T>G. VCF-style: chr1-15730553-T-G. GRCh37 (hg19) VCF-style: chr1-16057048-T-G.
Other names: c.2170T>G, p.Phe724Val (NM_001410755.1); short protein forms F724V, F744V.
Identifiers: ClinVar variation 2785146 (VCV002785146.3), dbSNP rs1195398346, ClinGen allele CA338570482.
Genomic context (GRCh38, chr1:15,730,553, plus strand): 5'-CCTTACTTGCTTTGTCCCCCGTGCCCGCCCCCGCATCAGGCATCTGCTGTCACCGTGCGC[T>G]TCTACGGCCTTGTGCACTGGGAGGACCCCACAGACGAGTCCCTGGGCCCCACGCCCTGCC-3'
Protein context (NP_055979.2, residues 734-754): KCEASAVTVR[Phe744Val]YGLVHWEDPT